The following is an entry in ClinVar:

ClinVar aggregate classification (germline): Likely benign (1 of 4 stars; one submission).

Allele frequency attached by ClinVar (database versions not stated): 1000 Genomes Project 30x 0.02327; 1000 Genomes Project 0.02416; gnomAD 0.02925; TOPMed 0.03132.
gnomAD v4.1: 4,836 of 152,134 alleles (3.2%); highest among the groups gnomAD compares: Middle Eastern, 6.1%; 86 homozygotes.

Submission:

GeneDx
Classification: Likely benign. Last evaluated: 2018-06-14. Review status: criteria provided, single submitter. Criteria: GeneDx Variant Classification (06012015). Collection method: clinical testing. Allele origin: germline. Affected: yes.
Comment: This variant is considered likely benign or benign based on one or more of the following criteria: it is a conservative change, it occurs at a poorly conserved position in the protein, it is predicted to be benign by multiple in silico algorithms, and/or has population frequency not consistent with disease.

NM_001271.4(CHD2):c.4907-269A>G

Gene: CHD2 (chromodomain helicase DNA binding protein 2; plus strand). Cytogenetic location: 15q26.1.
Variant type: single nucleotide variant.
Coding change: c.4907-269A>G on transcript NM_001271.4 (MANE Select); 269 bases into the intron before coding-DNA position 4907, A replaced by G.
Molecular consequence: intron variant.
Genome position (GRCh38, 1-based): chr15:93,019,743, A>G. VCF-style: chr15-93019743-A-G. GRCh37 (hg19) VCF-style: chr15-93562973-A-G.
Identifiers: ClinVar variation 669704 (VCV000669704.1), dbSNP rs55675444, ClinGen allele CA274888156.
Genomic context (GRCh38, chr15:93,019,743, plus strand): 5'-CAGCACCTTGGGAAGCTGAGGCGGGCGGATCACCTGAGGTCAGGAGTTTGAGACCAGCCT[A>G]GCCAACATGGTGAAACCCTGTCTCTACTAAAAATTCAAAAATTGGGCAGGCATGGTGGCG-3'